The following is an entry in ClinVar:

ClinVar aggregate classification (germline): Pathogenic. Review status: criteria provided, multiple submitters, no conflicts (2 of 4 stars). 4 submissions from 4 submitters: Pathogenic (3). 1 of the submissions does not count toward it. Last evaluated 2023-12-11.

Conditions:
APC-related disorder. Also called: APC-related condition.
Hereditary cancer-predisposing syndrome. Also called: Neoplastic Syndromes, Hereditary; Tumor predisposition; Hereditary Cancer Syndrome; Hereditary neoplastic syndrome. Identifiers: Orphanet 140162, MedGen C0027672, MeSH D009386, MONDO:0015356.
Familial adenomatous polyposis 1 (FAP1). Also called: FAMILIAL ADENOMATOUS POLYPOSIS 1, ATTENUATED; POLYPOSIS, ADENOMATOUS INTESTINAL. Identifiers: MedGen C2713442, MONDO:0021056, OMIM 175100. Disease mechanism: loss of function.

Submissions (4):

Labcorp Genetics (formerly Invitae), Labcorp
Classification: Pathogenic for Familial adenomatous polyposis 1. Last evaluated: 2023-12-11. Review status: criteria provided, single submitter. Criteria: Invitae Variant Classification Sherloc (09022015). Collection method: clinical testing. Allele origin: germline.
Comment: This sequence change creates a premature translational stop signal (p.Gln264*) in the APC gene. It is expected to result in an absent or disrupted protein product. Loss-of-function variants in APC are known to be pathogenic (PMID: 17963004, 20685668). This variant is not present in population databases (gnomAD no frequency). This premature translational stop signal has been observed in individual(s) with familial adenomatous polyposis (PMID: 15300853). ClinVar contains an entry for this variant (Variation ID: 1761174). For these reasons, this variant has been classified as Pathogenic.

Myriad Genetics, Inc.
Classification: Pathogenic for Familial adenomatous polyposis 1. Last evaluated: 2023-04-27. Review status: criteria provided, single submitter. Criteria: Myriad Autosomal Dominant, Autosomal Recessive and X-Linked Classification Criteria (2023). Collection method: clinical testing. Allele origin: unknown.
Comment: This variant is considered pathogenic. This variant creates a termination codon and is predicted to result in premature protein truncation.

Ambry Genetics
Classification: Pathogenic for Hereditary cancer-predisposing syndrome. Last evaluated: 2017-07-24. Review status: criteria provided, single submitter. Criteria: Ambry Variant Classification Scheme 2023. Collection method: clinical testing. Allele origin: germline.
Comment: The p.Q264* pathogenic mutation (also known as c.790C>T), located in coding exon 7 of the APC gene, results from a C to T substitution at nucleotide position 790. This changes the amino acid from a glutamine to a stop codon within coding exon 7. This alteration has been seen in multiple patients with a clinical diagnosis of FAP or attenuated FAP (Cowie S et al. Hum. Mutat. 2004 Sep;24:261-71; Friedl W et al. Hered Cancer Clin Pract 2005 Sep;3:95-114). In addition to the clinical data presented in the literature, this alteration is expected to result in loss of function by premature protein truncation or nonsense-mediated mRNA decay. As such, this alteration is interpreted as a disease-causing mutation.

PreventionGenetics, part of Exact Sciences
Classification: Pathogenic for APC-related condition. Last evaluated: 2023-11-13. Review status: no assertion criteria provided. Collection method: clinical testing. Allele origin: germline. Not counted in ClinVar's aggregate classification.
Comment: The APC c.790C>T variant is predicted to result in premature protein termination (p.Gln264*). This variant has been reported in individuals with adenomatous polyposis coli and/or colorectal cancer (Table 1, Cowie et al. 2004. PubMed ID: 15300853; Table S2, Ge et al. 2022. PubMed ID: 36225625; Table S1, Friedl et al. 2005. PubMed ID: 20223039). This variant has not been reported in a large population database, indicating this variant is rare. It is interpreted as pathogenic in ClinVar. Nonsense variants in APC are expected to be pathogenic. This variant is interpreted as pathogenic.

Literature cited by the submitters: PubMed 17963004 (cited by Labcorp Genetics (formerly Invitae), Labcorp); PubMed 20685668 (cited by Labcorp Genetics (formerly Invitae), Labcorp); PubMed 15300853 (cited by Labcorp Genetics (formerly Invitae), Labcorp and Ambry Genetics); PubMed 20223039 (cited by Ambry Genetics).

NM_000038.6(APC):c.790C>T (p.Gln264Ter)

Gene: APC (APC regulator of Wnt signaling pathway; plus strand). Cytogenetic location: 5q22.2.
Variant type: single nucleotide variant.
Coding change: c.790C>T on transcript NM_000038.6 (MANE Select); coding-DNA position 790, C replaced by T.
Protein change: p.Gln264Ter; replaces glutamine 264 with a stop codon.
Molecular consequence: nonsense. On other transcripts: 5 prime UTR variant (1).
Genome position (GRCh38, 1-based): chr5:112,801,339, C>T. VCF-style: chr5-112801339-C-T. GRCh37 (hg19) VCF-style: chr5-112137036-C-T.
Other names: c.790C>T, p.Gln264Ter (NM_001127510.3, NM_001354895.2, NM_001354896.2 and 12 more transcripts); c.736C>T, p.Gln246Ter (NM_001127511.3); c.820C>T, p.Gln274Ter (NM_001354897.2, NM_001354902.2, NM_001407446.1); c.715C>T, p.Gln239Ter (NM_001354898.2, NM_001354904.2, NM_001407451.1); c.706C>T, p.Gln236Ter (NM_001354899.2, NM_001407452.1, NM_001407467.1 and 1 more transcripts); c.613C>T, p.Gln205Ter (NM_001354900.2, NM_001354901.2, NM_001354905.2 and 1 more transcripts); c.-246C>T (NM_001354906.2, NM_001407470.1, NM_001407471.1 and 1 more transcripts); short protein forms Q246*, Q205*, Q236*, Q239*, Q264*, Q274*.
Identifiers: ClinVar variation 1761174 (VCV001761174.9), dbSNP rs1434813233, ClinGen allele CA16023060.
Genomic context (GRCh38, chr5:112,801,339, plus strand): 5'-AGGTCATCTCAGAACAAGCATGAAACCGGCTCACATGATGCTGAGCGGCAGAATGAAGGT[C>T]AAGGAGTGGGAGAAATCAACATGGCAACTTCTGGTAATGGTCAGGTAAATAAATTATTTT-3'